The following is an entry in ClinVar:

ClinVar aggregate classification (germline): Uncertain significance (1 of 4 stars; one submission).

Conditions:
Rhabdoid tumor predisposition syndrome 2 (RTPS2). Identifiers: Orphanet 231108, Orphanet 69077, MedGen C2750074, MONDO:0013224, OMIM 613325.

Submission:

Labcorp Genetics (formerly Invitae), Labcorp
Classification: Uncertain significance for Rhabdoid tumor predisposition syndrome 2. Last evaluated: 2018-06-19. Review status: criteria provided, single submitter. Criteria: Invitae Variant Classification Sherloc (09022015). Collection method: clinical testing. Allele origin: germline.
Comment: In summary, the available evidence is currently insufficient to determine the role of this variant in disease. Therefore, it has been classified as a Variant of Uncertain Significance. Algorithms developed to predict the effect of missense changes on protein structure and function (SIFT, PolyPhen-2, Align-GVGD) all suggest that this variant is likely to be disruptive, but these predictions have not been confirmed by published functional studies and their clinical significance is uncertain. This variant has not been reported in the literature in individuals with SMARCA4-related disease. This variant is not present in population databases (ExAC no frequency). This sequence change replaces aspartic acid with glycine at codon 198 of the SMARCA4 protein (p.Asp198Gly). The aspartic acid residue is highly conserved and there is a moderate physicochemical difference between aspartic acid and glycine.

NM_003072.5(SMARCA4):c.593A>G (p.Asp198Gly)

Gene: SMARCA4 (SWI/SNF related BAF chromatin remodeling complex subunit ATPase 4; plus strand). Cytogenetic location: 19p13.2.
Variant type: single nucleotide variant.
Coding change: c.593A>G on transcript NM_003072.5 (MANE Select); coding-DNA position 593, A replaced by G.
Protein change: p.Asp198Gly; replaces aspartic acid 198 with glycine.
Molecular consequence: missense variant. On other transcripts: non-coding transcript variant (1).
Genome position (GRCh38, 1-based): chr19:10,986,426, A>G. VCF-style: chr19-10986426-A-G. GRCh37 (hg19) VCF-style: chr19-11097102-A-G.
Other names: c.593A>G, p.Asp198Gly (NM_001128844.3, NM_001128845.2, NM_001128846.2 and 4 more transcripts); short protein forms D198G.
Identifiers: ClinVar variation 1023871 (VCV001023871.8), dbSNP rs2086038072, ClinGen allele CA404056497.
Genomic context (GRCh38, chr19:10,986,426, plus strand): 5'-ACCAGCTCAGAGCTCAGATCATGGCCTACAAGATGCTGGCCAGGGGGCAGCCCCTCCCCG[A>G]CCACCTGCAGATGGCGGTGCAGGGCAAGCGGCCGATGCCCGGGATGCAGCAGCAGATGCC-3'
Protein context (NP_003063.2, residues 188-208): KMLARGQPLP[Asp198Gly]HLQMAVQGKR